The following is an entry in ClinVar:

NM_005120.3(MED12):c.4100T>C (p.Ile1367Thr)

Gene: MED12 (mediator complex subunit 12; plus strand). Cytogenetic location: Xq13.1.
Variant type: single nucleotide variant.
Coding change: c.4100T>C on transcript NM_005120.3 (MANE Select); coding-DNA position 4100, T replaced by C.
Protein change: p.Ile1367Thr; replaces isoleucine 1367 with threonine.
Molecular consequence: missense variant.
Genome position (GRCh38, 1-based): chrX:71,131,602, T>C. VCF-style: chrX-71131602-T-C. GRCh37 (hg19) VCF-style: chrX-70351452-T-C.
Other names: short protein forms I1367T.
Identifiers: ClinVar variation 3634967 (VCV003634967.2).

ClinVar aggregate classification (germline): Uncertain significance (1 of 4 stars; one submission).

Conditions:
FG syndrome (FGS). Identifiers: MedGen C0220769, MONDO:0002010.

Submission:

Labcorp Genetics (formerly Invitae), Labcorp
Classification: Uncertain significance for FG syndrome. Last evaluated: 2025-09-02. Review status: criteria provided, single submitter. Criteria: Invitae Variant Classification Sherloc (09022015). Collection method: clinical testing. Allele origin: germline.
Comment: This sequence change replaces isoleucine, which is neutral and non-polar, with threonine, which is neutral and polar, at codon 1367 of the MED12 protein (p.Ile1367Thr). This variant is not present in population databases (gnomAD no frequency). This variant has not been reported in the literature in individuals affected with MED12-related conditions. ClinVar contains an entry for this variant (Variation ID: 3634967). Invitae Evidence Modeling of protein sequence and biophysical properties (such as structural, functional, and spatial information, amino acid conservation, physicochemical variation, residue mobility, and thermodynamic stability) indicates that this missense variant is expected to disrupt MED12 protein function with a positive predictive value of 95%. In summary, the available evidence is currently insufficient to determine the role of this variant in disease. Therefore, it has been classified as a Variant of Uncertain Significance.